The following is an entry in ClinVar:

NM_004341.5(CAD):c.1503C>T (p.Val501=)

Gene: CAD (carbamoyl-phosphate synthetase 2, aspartate transcarbamylase, and dihydroorotase; plus strand). Cytogenetic location: 2p23.3.
Variant type: single nucleotide variant.
Coding change: c.1503C>T on transcript NM_004341.5 (MANE Select); coding-DNA position 1503, C replaced by T.
Protein change: p.Val501=; no amino-acid change (valine 501 retained).
Molecular consequence: synonymous variant.
Genome position (GRCh38, 1-based): chr2:27,225,126, C>T. VCF-style: chr2-27225126-C-T. GRCh37 (hg19) VCF-style: chr2-27447994-C-T.
Other names: c.1503C>T, p.Val501= (NM_001306079.2).
Identifiers: ClinVar variation 3058355 (VCV003058355.2), dbSNP rs746886288, ClinGen allele CA1572740.

ClinVar aggregate classification (germline): Likely benign (0 of 4 stars; one submission).

Conditions:
CAD-related disorder. Also called: CAD-related condition.

Allele frequency attached by ClinVar (database versions not stated): gnomAD exomes below 0.00001; ExAC 0.00001.
gnomAD v4.1: 1 of 1,614,052 alleles (0.000062%); highest among the groups gnomAD compares: Admixed American, 0.0017%; no homozygotes.

Submission:

PreventionGenetics, part of Exact Sciences
Classification: Likely benign for CAD-related condition. Last evaluated: 2022-02-14. Review status: no assertion criteria provided. Collection method: clinical testing. Allele origin: germline.
Comment: This variant is classified as likely benign based on ACMG/AMP sequence variant interpretation guidelines (Richards et al. 2015 PMID: 25741868, with internal and published modifications).